The following is an entry in ClinVar:

NM_000426.4(LAMA2):c.3636del (p.Gln1213fs)

Gene: LAMA2 (laminin subunit alpha 2; plus strand). Cytogenetic location: 6q22.33.
Variant type: Deletion.
Coding change: c.3636del on transcript NM_000426.4 (MANE Select); coding-DNA position 3636, one base deleted (T; older notation c.3636delT).
Protein change: p.Gln1213fs; shifts the reading frame from glutamine 1213.
Molecular consequence: frameshift variant.
Genome position (GRCh38, 1-based): chr6:129,315,556, T deleted; the last of 5 consecutive T bases (chr6:129,315,552-129,315,556); deleting any one gives the same sequence. VCF-style (leftmost placement, unchanged base first): chr6-129315551-GT-G. GRCh37 (hg19) VCF-style: chr6-129636696-GT-G.
Other names: c.3636del, p.Gln1213fs (NM_001079823.2); c.3636delT (NM_000426.3); short protein forms Q1213fs.
Identifiers: ClinVar variation 421925 (VCV000421925.2), dbSNP rs1064795451, ClinGen allele CA16618241.

ClinVar aggregate classification (germline): Likely pathogenic (1 of 4 stars; one submission).

Submission:

GeneDx
Classification: Likely pathogenic. Last evaluated: 2016-08-17. Review status: criteria provided, single submitter. Criteria: GeneDx Variant Classification (06012015). Collection method: clinical testing. Allele origin: germline. Affected: yes.
Comment: The c.3636delT variant is predicted to cause loss of normal protein function either through protein truncation or nonsense-mediated mRNA decay. It was not observed in approximately 6,500 individuals of European and African American ancestry in the NHLBI Exome Sequencing Project, indicating it is not a common benign variant in these populations. Therefore, this variant is likely pathogenic; however, the possibility that it is benign cannot be excluded.